The following is an entry in ClinVar:

ClinVar aggregate classification (germline): Uncertain significance (1 of 4 stars; one submission).

Allele frequency attached by ClinVar (database versions not stated): gnomAD exomes below 0.00001; ExAC 0.00001.
gnomAD v4.1: 2 of 1,209,551 alleles (0.00017%); highest among the groups gnomAD compares: Non-Finnish European, 0.00022%; no homozygotes.

Submission:

GeneDx
Classification: Uncertain significance. Last evaluated: 2019-09-20. Review status: criteria provided, single submitter. Criteria: GeneDx Variant Classification Process June 2021. Collection method: clinical testing. Allele origin: germline. Affected: yes.
Comment: Not observed in large population cohorts (Lek et al., 2016); In silico analysis, which includes protein predictors and evolutionary conservation, supports a deleterious effect; Has not been previously published as pathogenic or benign to our knowledge

NM_007363.5(NONO):c.1052G>A (p.Arg351His)

Gene: NONO (non-POU domain containing octamer binding; plus strand). Cytogenetic location: Xq13.1.
Variant type: single nucleotide variant.
Coding change: c.1052G>A on transcript NM_007363.5 (MANE Select); coding-DNA position 1052, G replaced by A.
Protein change: p.Arg351His; replaces arginine 351 with histidine.
Molecular consequence: missense variant.
Genome position (GRCh38, 1-based): chrX:71,297,859, G>A. VCF-style: chrX-71297859-G-A. GRCh37 (hg19) VCF-style: chrX-70517709-G-A.
Other names: c.1052G>A, p.Arg351His (NM_001145408.2, NM_001145409.2); c.785G>A, p.Arg262His (NM_001145410.2); short protein forms R262H, R351H.
Identifiers: ClinVar variation 1312286 (VCV001312286.2), dbSNP rs780912381, ClinGen allele CA10446155.